The following is an entry in ClinVar:

NM_013448.3(BAZ1A):c.190T>C (p.Tyr64His)

Gene: BAZ1A (bromodomain adjacent to zinc finger domain 1A; minus strand). Cytogenetic location: 14q13.2.
Variant type: single nucleotide variant.
Coding change: c.190T>C on transcript NM_013448.3 (MANE Select); coding-DNA position 190, T replaced by C.
Protein change: p.Tyr64His; replaces tyrosine 64 with histidine.
Molecular consequence: missense variant.
Genome position (GRCh38, 1-based): chr14:34,862,246, A>G on the plus strand (T>C on the coding strand, the complement: BAZ1A is on the minus strand). VCF-style: chr14-34862246-A-G. GRCh37 (hg19) VCF-style: chr14-35331452-A-G.
Other names: c.190T>C, p.Tyr64His (NM_182648.2); short protein forms Y64H.
Identifiers: ClinVar variation 4279775 (VCV004279775.1).

ClinVar aggregate classification (germline): Uncertain significance (1 of 4 stars; one submission).

gnomAD v4.1: 17 of 1,614,146 alleles (0.0011%); highest among the groups gnomAD compares: Non-Finnish European, 0.0014%; no homozygotes.

Submission:

Clinical Genomics Laboratory, Washington University in St. Louis
Classification: Uncertain significance. Last evaluated: 2025-06-15. Review status: criteria provided, single submitter. Criteria: ACMG Guidelines, 2015. Collection method: clinical testing. Allele origin: germline.
Comment: The BAZ1A c.190T>C (p.Tyr64His) variant, to our knowledge, has not been reported in the medical literature. This variant is only observed in 1/251,452 alleles in the general population (gnomAD v2.1.1), indicating it is not a common variant. Computational predictors indicate that the variant is damaging, evidence that correlates with impact to BAZ1A function. Due to limited information, the clinical significance of this variant is uncertain.